The following is an entry in ClinVar:

NM_001166108.2(PALLD):c.1343A>T (p.Gln448Leu)

Gene: PALLD (palladin, cytoskeletal associated protein; plus strand). Cytogenetic location: 4q32.3.
Variant type: single nucleotide variant.
Coding change: c.1343A>T on transcript NM_001166108.2 (MANE Select); coding-DNA position 1343, A replaced by T.
Protein change: p.Gln448Leu; replaces glutamine 448 with leucine.
Molecular consequence: missense variant.
Genome position (GRCh38, 1-based): chr4:168,690,610, A>T. VCF-style: chr4-168690610-A-T. GRCh37 (hg19) VCF-style: chr4-169611761-A-T.
Other names: c.197A>T, p.Gln66Leu (NM_001166109.2); c.1343A>T, p.Gln448Leu (NM_016081.4); short protein forms Q448L, Q66L.
Identifiers: ClinVar variation 1770403 (VCV001770403.2), dbSNP rs2531650541, ClinGen allele CA358795259.

ClinVar aggregate classification (germline): Uncertain significance (1 of 4 stars; one submission).

Submission:

Ambry Genetics
Classification: Uncertain significance. Last evaluated: 2022-10-02. Review status: criteria provided, single submitter. Criteria: Ambry Variant Classification Scheme 2023. Collection method: clinical testing. Allele origin: germline.
Comment: The p.Q448L variant (also known as c.1343A>T), located in coding exon 6 of the PALLD gene, results from an A to T substitution at nucleotide position 1343. The glutamine at codon 448 is replaced by leucine, an amino acid with dissimilar properties. This amino acid position is conserved. In addition, the in silico prediction for this alteration is inconclusive. Since supporting evidence is limited at this time, the clinical significance of this alteration remains unclear.